The following is an entry in ClinVar:

ClinVar aggregate classification (germline): Uncertain significance (1 of 4 stars; one submission).

Conditions:
Xeroderma pigmentosum (XP). Identifiers: Orphanet 910, MedGen C0043346, MONDO:0019600.

gnomAD v4.1: 1 of 1,612,814 alleles (0.000062%); highest among the groups gnomAD compares: Non-Finnish European, 0.000085%; no homozygotes.

Submission:

Sema4
Classification: Uncertain significance for Xeroderma pigmentosum. Last evaluated: 2021-07-20. Review status: criteria provided, single submitter. Criteria: Sema4 Curation Guidelines. Collection method: curation. Allele origin: germline.
Comment: The ERCC3 c.1510A>C (p.K504Q) variant has not been reported in the literature to our knowledge. It was not observed in the large and broad cohorts of the Genome Aggregation Database (PMID: 32461654). The variant has not been reported in ClinVar. Functional studies have not been performed, and in silico predictions of the variant's effect on protein function are inconclusive. The evidence is insufficient to meet ACMG/AMP criteria for classifying the variant as benign or pathogenic. Thus, the clinical significance of this variant is currently uncertain.

NM_000122.2(ERCC3):c.1510A>C (p.Lys504Gln)

Gene: ERCC3 (ERCC excision repair 3, TFIIH core complex helicase subunit; minus strand). Cytogenetic location: 2q14.3.
Variant type: single nucleotide variant.
Coding change: c.1510A>C on transcript NM_000122.2 (MANE Select); coding-DNA position 1510, A replaced by C.
Protein change: p.Lys504Gln; replaces lysine 504 with glutamine.
Molecular consequence: missense variant.
Genome position (GRCh38, 1-based): chr2:127,280,464, T>G on the plus strand (A>C on the coding strand, the complement: ERCC3 is on the minus strand). VCF-style: chr2-127280464-T-G. GRCh37 (hg19) VCF-style: chr2-128038040-T-G.
Other names: c.1318A>C, p.Lys440Gln (NM_001303416.2, NM_001303418.2); short protein forms K440Q, K504Q.
Identifiers: ClinVar variation 1692160 (VCV001692160.1), dbSNP rs2104761804, ClinGen allele CA348389078.
Genomic context (GRCh38, chr2:127,280,464, plus strand): 5'-GAGGAGGCCCTTTCCCAGACGCCCCCAGCCCAGGCCCAGCTACCTCAGCACACTGGACTT[T>G]GGCGATGTAGCCATTATTCTGCAGCTCCATCCAGTTGGCTTCGTAGAGCTTAGGCCCAAT-3'
Protein context (NP_000113.1, residues 494-514): MELQNNGYIA[Lys504Gln]VQCAEVWCPM